The following is an entry in ClinVar:

NM_014989.7(RIMS1):c.2236C>T (p.Leu746Phe)

Gene: RIMS1 (regulating synaptic membrane exocytosis 1; plus strand). Cytogenetic location: 6q13.
Variant type: single nucleotide variant.
Coding change: c.2236C>T on transcript NM_014989.7 (MANE Select); coding-DNA position 2236, C replaced by T.
Protein change: p.Leu746Phe; replaces leucine 746 with phenylalanine.
Molecular consequence: missense variant.
Genome position (GRCh38, 1-based): chr6:72,248,122, C>T. VCF-style: chr6-72248122-C-T. GRCh37 (hg19) VCF-style: chr6-72957825-C-T.
Other names: c.589C>T, p.Leu197Phe (NM_001350421.2, NM_001350424.2, NM_001350428.2 and 6 more transcripts); c.658C>T, p.Leu220Phe (NM_001350422.2, NM_001350423.2, NM_001350425.2 and 37 more transcripts); c.415C>T, p.Leu139Phe (NM_001350461.2, NM_001350463.2, NM_001350464.2 and 6 more transcripts); c.613C>T, p.Leu205Phe (NM_001350470.2, NM_001350472.2, NM_001350473.2 and 2 more transcripts); short protein forms L139F, L197F, L220F, L746F, L205F.
Identifiers: ClinVar variation 2699047 (VCV002699047.3), dbSNP rs568811829, ClinGen allele CA364678275.

ClinVar aggregate classification (germline): Uncertain significance (1 of 4 stars; one submission).

Submission:

Labcorp Genetics (formerly Invitae), Labcorp
Classification: Uncertain significance. Last evaluated: 2023-11-25. Review status: criteria provided, single submitter. Criteria: Invitae Variant Classification Sherloc (09022015). Collection method: clinical testing. Allele origin: germline.
Comment: This sequence change replaces leucine, which is neutral and non-polar, with phenylalanine, which is neutral and non-polar, at codon 746 of the RIMS1 protein (p.Leu746Phe). This variant is not present in population databases (gnomAD no frequency). This variant has not been reported in the literature in individuals affected with RIMS1-related conditions. An algorithm developed to predict the effect of missense changes on protein structure and function (PolyPhen-2) suggests that this variant is likely to be tolerated. In summary, the available evidence is currently insufficient to determine the role of this variant in disease. Therefore, it has been classified as a Variant of Uncertain Significance.